The following is an entry in ClinVar:

NM_031407.7(HUWE1):c.5648A>G (p.Asp1883Gly)

Gene: HUWE1 (HECT, UBA and WWE domain containing E3 ubiquitin protein ligase 1; minus strand). Cytogenetic location: Xp11.22.
Variant type: single nucleotide variant.
Coding change: c.5648A>G on transcript NM_031407.7 (MANE Select); coding-DNA position 5648, A replaced by G.
Protein change: p.Asp1883Gly; replaces aspartic acid 1883 with glycine.
Molecular consequence: missense variant.
Genome position (GRCh38, 1-based): chrX:53,580,899, T>C on the plus strand (A>G on the coding strand, the complement: HUWE1 is on the minus strand). VCF-style: chrX-53580899-T-C. GRCh37 (hg19) VCF-style: chrX-53607859-T-C.
Other names: short protein forms D1883G.
Identifiers: ClinVar variation 1803453 (VCV001803453.8), dbSNP rs2063584929, ClinGen allele CA413173120.

ClinVar aggregate classification (germline): Uncertain significance. Review status: criteria provided, multiple submitters, no conflicts (2 of 4 stars). 3 submissions from 3 submitters: Uncertain significance (3). Last evaluated 2024-02-15.

Allele frequency attached by ClinVar (database versions not stated): TOPMed below 0.00001.
gnomAD v4.1: 1 of 1,211,618 alleles (0.000083%); highest among the groups gnomAD compares: Non-Finnish European, 0.00011%; no homozygotes.

Submissions (3):

Labcorp Genetics (formerly Invitae), Labcorp
Classification: Uncertain significance. Last evaluated: 2024-02-15. Review status: criteria provided, single submitter. Criteria: Invitae Variant Classification Sherloc (09022015). Collection method: clinical testing. Allele origin: germline.
Comment: This sequence change replaces aspartic acid, which is acidic and polar, with glycine, which is neutral and non-polar, at codon 1883 of the HUWE1 protein (p.Asp1883Gly). This variant is not present in population databases (gnomAD no frequency). This variant has not been reported in the literature in individuals affected with HUWE1-related conditions. ClinVar contains an entry for this variant (Variation ID: 1803453). Advanced modeling of protein sequence and biophysical properties (such as structural, functional, and spatial information, amino acid conservation, physicochemical variation, residue mobility, and thermodynamic stability) has been performed at Invitae for this missense variant, however the output from this modeling did not meet the statistical confidence thresholds required to predict the impact of this variant on HUWE1 protein function. In summary, the available evidence is currently insufficient to determine the role of this variant in disease. Therefore, it has been classified as a Variant of Uncertain Significance.

Greenwood Genetic Center Diagnostic Laboratories, Greenwood Genetic Center
Classification: Uncertain significance. Last evaluated: 2022-12-16. Review status: criteria provided, single submitter. Criteria: ACMG Guidelines, 2015. Collection method: clinical testing. Allele origin: germline. Affected: yes.
Comment: PM2

GeneDx
Classification: Uncertain significance. Last evaluated: 2022-06-07. Review status: criteria provided, single submitter. Criteria: GeneDx Variant Classification Process June 2021. Collection method: clinical testing. Allele origin: germline. Affected: yes.
Comment: Not observed at significant frequency in large population cohorts (gnomAD); In silico analysis supports that this missense variant has a deleterious effect on protein structure/function; Has not been previously published as pathogenic or benign to our knowledge